The following is an entry in ClinVar:

ClinVar aggregate classification (germline): Uncertain significance (0 of 4 stars; one submission).

Conditions:
TRRAP-related disorder. Also called: TRRAP-related condition.

Submission:

PreventionGenetics, part of Exact Sciences
Classification: Uncertain significance for TRRAP-related condition. Last evaluated: 2024-05-31. Review status: no assertion criteria provided. Collection method: clinical testing. Allele origin: germline.
Comment: The TRRAP c.3913_3914delCA variant is predicted to result in a frameshift and premature protein termination (p.Gln1305Aspfs*23). To our knowledge, this variant has not been reported in the literature or in a large population database, indicating this variant is rare. Although we suspect that this variant may be pathogenic, at this time, the clinical significance of this variant is uncertain due to the absence of conclusive functional and genetic evidence.

NM_001375524.1(TRRAP):c.3913_3914del (p.Gln1305fs)

Gene: TRRAP (transformation/transcription domain associated protein; plus strand). Cytogenetic location: 7q22.1.
Variant type: Microsatellite.
Coding change: c.3913_3914del on transcript NM_001375524.1 (MANE Select); coding-DNA positions 3913 to 3914, 2 bases deleted (CA; older notation c.3913_3914delCA).
Protein change: p.Gln1305fs; shifts the reading frame from glutamine 1305.
Molecular consequence: frameshift variant.
Genome position (GRCh38, 1-based): chr7:98,933,301-98,933,302, CA deleted; deleting any 2 consecutive bases within chr7:98,933,299-98,933,302 gives the same sequence; the c. name uses the placement nearest the transcript's 3' end. VCF-style (leftmost placement, unchanged base first): chr7-98933298-GCA-G. GRCh37 (hg19) VCF-style: chr7-98530921-GCA-G.
Other names: c.3913_3914del, p.Gln1305fs (NM_001244580.2, NM_003496.4); short protein forms Q1305fs.
Identifiers: ClinVar variation 3357953 (VCV003357953.1).
Genomic context (GRCh38, chr7:98,933,298, plus strand): 5'-CAGGTCCTGCAGGATATGGTCCCCCCTAAGAAGCACCTGCTCCGACACCAGCCTGCCAAC[GCA>G]CAGATTGGCCTGATGGAGGGGAACACGTTCTGTACCACGTTGCAGCCCAGGCTCTTCACA-3'